The following is an entry in ClinVar:

ClinVar aggregate classification (germline): Likely pathogenic (1 of 4 stars; one submission).

Conditions:
Epidermolysis bullosa, junctional 2A, intermediate. Also called: EPIDERMOLYSIS BULLOSA, JUNCTIONAL 2A, GENERALIZED INTERMEDIATE; EPIDERMOLYSIS BULLOSA, JUNCTIONAL 2A, NON-HERLITZ TYPE. Identifiers: MedGen C5676936, MONDO:0030746, OMIM 619783.
Epidermolysis bullosa, junctional 2B, severe. Also called: EPIDERMOLYSIS BULLOSA, JUNCTIONAL 2B, GENERALIZED SEVERE; EPIDERMOLYSIS BULLOSA, JUNCTIONAL 2B, HERLITZ TYPE. Identifiers: MedGen C5676937, MONDO:0030747, OMIM 619784.
Laryngo-onycho-cutaneous syndrome (JEB2C). Also called: EPIDERMOLYSIS BULLOSA, JUNCTIONAL 2C, LARYNGOONYCHOCUTANEOUS; SHABBIR SYNDROME; LOGIC SYNDROME. Identifiers: Orphanet 2407, MedGen C1328355, MONDO:0009513, OMIM 245660.

Submission:

Juno Genomics, Hangzhou Juno Genomics, Inc
Classification: Likely pathogenic for Epidermolysis bullosa, junctional 2A, intermediate; Epidermolysis bullosa, junctional 2B, severe; Laryngo-onycho-cutaneous syndrome. Review status: criteria provided, single submitter. Criteria: ACMG Guidelines, 2015. Collection method: clinical testing. Allele origin: germline.
Comment: Null variant in a gene where loss of function (LOF) is a known mechanism of disease.;Absent from controls (or at extremely low frequency if recessive) in Genome Aggregation Database.

NM_198129.4(LAMA3):c.6277C>T (p.Gln2093Ter)

Gene: LAMA3 (laminin subunit alpha 3; plus strand). Cytogenetic location: 18q11.2.
Variant type: single nucleotide variant.
Coding change: c.6277C>T on transcript NM_198129.4 (MANE Select); coding-DNA position 6277, C replaced by T.
Protein change: p.Gln2093Ter; replaces glutamine 2093 with a stop codon.
Molecular consequence: nonsense.
Genome position (GRCh38, 1-based): chr18:23,903,084, C>T. VCF-style: chr18-23903084-C-T. GRCh37 (hg19) VCF-style: chr18-21483048-C-T.
Other names: c.1450C>T, p.Gln484Ter (NM_000227.6); c.6109C>T, p.Gln2037Ter (NM_001127717.4); c.1282C>T, p.Gln428Ter (NM_001127718.4); short protein forms Q2037*, Q2093*, Q484*, Q428*.
Identifiers: ClinVar variation 5005875 (VCV005005875.2).